The following is an entry in ClinVar:

ClinVar aggregate classification (germline): Uncertain significance (1 of 4 stars; one submission).

Submission:

GeneDx
Classification: Uncertain significance. Last evaluated: 2024-09-16. Review status: criteria provided, single submitter. Criteria: GeneDx Variant Classification Process June 2021. Collection method: clinical testing. Allele origin: germline. Affected: yes.
Comment: Not observed at significant frequency in large population cohorts (gnomAD); In silico analysis supports that this missense variant has a deleterious effect on protein structure/function; Has not been previously published as pathogenic or benign to our knowledge

NM_001104631.2(PDE4D):c.680C>T (p.Ala227Val)

Gene: PDE4D (phosphodiesterase 4D; minus strand). Cytogenetic location: 5q11.2.
Variant type: single nucleotide variant.
Coding change: c.680C>T on transcript NM_001104631.2 (MANE Select); coding-DNA position 680, C replaced by T.
Protein change: p.Ala227Val; replaces alanine 227 with valine.
Molecular consequence: missense variant. On other transcripts: 5 prime UTR variant (3).
Genome position (GRCh38, 1-based): chr5:59,193,504, G>A on the plus strand (C>T on the coding strand, the complement: PDE4D is on the minus strand). VCF-style: chr5-59193504-G-A. GRCh37 (hg19) VCF-style: chr5-58489330-G-A.
Other names: c.497C>T, p.Ala166Val (NM_001165899.2, NM_001364599.1, NM_001364600.2); c.488C>T, p.Ala163Val (NM_001197218.2, NM_001364602.2); c.314C>T, p.Ala105Val (NM_001197219.2); c.290C>T, p.Ala97Val (NM_001197220.2); c.467C>T, p.Ala156Val (NM_001349241.2); c.350C>T, p.Ala117Val (NM_001349242.2); c.-15C>T (NM_001349243.2, NM_001364604.1); c.-271C>T (NM_001364603.1); and 1 more; short protein forms A105V, A117V, A156V, A163V, A166V, A227V, A91V, A97V.
Identifiers: ClinVar variation 3769734 (VCV003769734.1).